The following is an entry in ClinVar:

NM_004984.4(KIF5A):c.2868_2870del (p.Leu957del)

Gene: KIF5A (kinesin family member 5A; plus strand). Cytogenetic location: 12q13.3.
Variant type: Deletion.
Coding change: c.2868_2870del on transcript NM_004984.4 (MANE Select); coding-DNA positions 2868 to 2870, 3 bases deleted (TCT; older notation c.2868_2870delTCT).
Protein change: p.Leu957del; deletes leucine 957.
Molecular consequence: inframe deletion.
Genome position (GRCh38, 1-based): chr12:57,581,527-57,581,529, TCT deleted. VCF-style (leftmost placement, unchanged base first): chr12-57581526-ATCT-A. GRCh37 (hg19) VCF-style: chr12-57975309-ATCT-A.
Other names: c.2601_2603del, p.Leu868del (NM_001354705.2); short protein forms L868del, L957del.
Identifiers: ClinVar variation 974686 (VCV000974686.5), dbSNP rs575223790, ClinGen allele CA237791137.
Genomic context (GRCh38, chr12:57,581,526, plus strand): 5'-ATGGCACCCGGAGCCCTGAGTGCATCAGTTACACCAACAGCCTCTTCCAGAACTACCAGA[ATCT>A]CTACCTGCAGGCCACACCCAGCTCCACCTCAGATATGTAGTGAGTGACCACACGTGTGGG-3'

ClinVar aggregate classification (germline): Conflicting classifications of pathogenicity. Review status: criteria provided, conflicting classifications (1 of 4 stars). 2 submissions from 2 submitters: Likely pathogenic (1); Uncertain significance (1). Last evaluated 2025-09-25.

Conditions:
Spastic paraplegia. Identifiers: MedGen C0037772, HP:0001258.
Hereditary spastic paraplegia 10 (SPG10). Also called: SPASTIC PARAPLEGIA 10 WITH OR WITHOUT PERIPHERAL NEUROPATHY; SPASTIC PARAPLEGIA 10 WITH PERIPHERAL NEUROPATHY; SPASTIC PARAPLEGIA 10, AUTOSOMAL DOMINANT. Identifiers: Orphanet 100991, MedGen C1858712, MONDO:0011408, OMIM 604187.

Allele frequency attached by ClinVar (database versions not stated): TOPMed below 0.00001; gnomAD exomes 0.00001.

Submissions (2):

Labcorp Genetics (formerly Invitae), Labcorp
Classification: Uncertain significance for Spastic paraplegia. Last evaluated: 2025-09-25. Review status: criteria provided, single submitter. Criteria: Invitae Variant Classification Sherloc (09022015). Collection method: clinical testing. Allele origin: germline.
Comment: This variant, c.2868_2870del, results in the deletion of 1 amino acid(s) of the KIF5A protein (p.Leu957del), but otherwise preserves the integrity of the reading frame. This variant is present in population databases (rs575223790, gnomAD 0.01%). This variant has been observed in individual(s) with Charcot-Marie-Tooth disease (PMID: 34354735). ClinVar contains an entry for this variant (Variation ID: 974686). Experimental studies and prediction algorithms are not available or were not evaluated, and the functional significance of this variant is currently unknown. In summary, the available evidence is currently insufficient to determine the role of this variant in disease. Therefore, it has been classified as a Variant of Uncertain Significance.

Istituto Neurologico Mediterraneo, Istituto di Ricovero e Cura a Carattere Scientifico
Classification: Likely pathogenic for Hereditary spastic paraplegia 10. Last evaluated: 2020-01-26. Review status: criteria provided, single submitter. Criteria: ACMG Guidelines, 2015. Collection method: clinical testing. Allele origin: inherited. Affected: yes. Observed: 1 heterozygote.

Literature cited by the submitters: PubMed 34354735 (cited by Labcorp Genetics (formerly Invitae), Labcorp).